The following is an entry in ClinVar:

ClinVar aggregate classification (germline): Uncertain significance (1 of 4 stars; one submission).

Conditions:
AEBP1-related disorder. Also called: AEBP1-related condition.

gnomAD v4.1: 23 of 1,612,150 alleles (0.0014%); highest among the groups gnomAD compares: East Asian, 0.018%; no homozygotes.

Submission:

PreventionGenetics, part of Exact Sciences
Classification: Uncertain significance for AEBP1-related condition. Last evaluated: 2026-01-27. Review status: criteria provided, single submitter. Criteria: ACMG Guidelines, 2015. Collection method: clinical testing. Allele origin: germline.
Comment: The AEBP1 c.2536G>A variant is predicted to result in the amino acid substitution p.Val846Ile. To our knowledge, this variant has not been reported in the literature. This variant is reported in 0.016% of alleles in individuals of East Asian descent in gnomAD. At this time, the clinical significance of this variant is uncertain due to the absence of conclusive functional and genetic evidence.

NM_001129.5(AEBP1):c.2536G>A (p.Val846Ile)

Gene: AEBP1 (AE binding protein 1; plus strand). Cytogenetic location: 7p13.
Variant type: single nucleotide variant.
Coding change: c.2536G>A on transcript NM_001129.5 (MANE Select); coding-DNA position 2536, G replaced by A.
Protein change: p.Val846Ile; replaces valine 846 with isoleucine.
Molecular consequence: missense variant.
Genome position (GRCh38, 1-based): chr7:44,112,876, G>A. VCF-style: chr7-44112876-G-A. GRCh37 (hg19) VCF-style: chr7-44152475-G-A.
Other names: short protein forms V846I.
Identifiers: ClinVar variation 4988167 (VCV004988167.1).